The following is an entry in ClinVar:

ClinVar aggregate classification (germline): Conflicting classifications of pathogenicity. Review status: criteria provided, conflicting classifications (1 of 4 stars). 3 submissions from 3 submitters: Uncertain significance (2); Likely benign (1). Last evaluated 2025-11-07.

Conditions:
Hereditary pheochromocytoma and paraganglioma. Also called: Hereditary paragangliomas and pheochromocytomas; Hereditary Paraganglioma-Pheochromocytoma Syndromes; Hereditary pheochromocytoma-paraganglioma. Identifiers: Orphanet 29072, MedGen C4274332, MONDO:0017366.
Hereditary cancer-predisposing syndrome. Also called: Tumor predisposition; Hereditary Cancer Syndrome; Hereditary neoplastic syndrome; Neoplastic Syndromes, Hereditary. Identifiers: Orphanet 140162, MedGen C0027672, MeSH D009386, MONDO:0015356.

Allele frequency attached by ClinVar (database versions not stated): TOPMed below 0.00001; gnomAD 0.00001.
gnomAD v4.1: 27 of 1,613,856 alleles (0.0017%); highest among the groups gnomAD compares: Non-Finnish European, 0.0022%; no homozygotes.

Submissions (3):

Ambry Genetics
Classification: Likely benign for Hereditary cancer-predisposing syndrome. Last evaluated: 2025-11-07. Review status: criteria provided, single submitter. Criteria: Ambry Variant Classification Scheme 2023. Collection method: clinical testing. Allele origin: germline.

Color Diagnostics, LLC DBA Color Health
Classification: Uncertain significance for Hereditary pheochromocytoma and paraganglioma. Last evaluated: 2024-01-11. Review status: criteria provided, single submitter. Criteria: ACMG Guidelines, 2015. Collection method: clinical testing. Allele origin: germline.
Comment: This variant causes a G to A nucleotide substitution at the -1 position in the 5' untranslated region of the SDHC gene. To our knowledge, functional studies have not been reported for this variant. This variant has not been reported in individuals affected with SDHC-related disorders in the literature. This variant has been identified in 3/282614 chromosomes in the general population by the Genome Aggregation Database (gnomAD). The available evidence is insufficient to determine the role of this variant in disease conclusively. Therefore, this variant is classified as a Variant of Uncertain Significance.

GeneDx
Classification: Uncertain significance. Last evaluated: 2023-11-06. Review status: criteria provided, single submitter. Criteria: GeneDx Variant Classification Process June 2021. Collection method: clinical testing. Allele origin: germline. Affected: yes.
Comment: Not observed at significant frequency in large population cohorts (gnomAD); Has not been previously published as pathogenic or benign to our knowledge

NM_003001.5(SDHC):c.-1G>A

Gene: SDHC (succinate dehydrogenase complex subunit C; plus strand). Cytogenetic location: 1q23.3.
Variant type: single nucleotide variant.
Coding change: c.-1G>A on transcript NM_003001.5 (MANE Select); 1 bases upstream of the start codon, G replaced by A.
Molecular consequence: 5 prime UTR variant. On other transcripts: non-coding transcript variant (1).
Genome position (GRCh38, 1-based): chr1:161,314,405, G>A. VCF-style: chr1-161314405-G-A. GRCh37 (hg19) VCF-style: chr1-161284195-G-A.
Other names: c.-1G>A (NM_001035511.3, NM_001035512.3, NM_001035513.3 and 6 more transcripts); c.-561G>A (NM_001407119.1); c.-230G>A (NM_001407120.1).
Identifiers: ClinVar variation 1784205 (VCV001784205.5), dbSNP rs1468426986, ClinGen allele CA526856675.